The following is an entry in ClinVar:

ClinVar aggregate classification (germline): Pathogenic (1 of 4 stars; one submission).

Conditions:
Episodic ataxia type 2 (EA2). Also called: ATAXIA, EPISODIC, WITH NYSTAGMUS; ATAXIA, FAMILIAL PAROXYSMAL; CEREBELLAR ATAXIA, PAROXYSMAL, ACETAZOLAMIDE-RESPONSIVE; CEREBELLOPATHY, HEREDITARY PAROXYSMAL; EPISODIC ATAXIA, NYSTAGMUS-ASSOCIATED; ACETAZOLAMIDE-RESPONSIVE HEREDITARY PAROXYSMAL CEREBELLAR ATAXIA. Identifiers: Orphanet 97, MedGen C1720416, MONDO:0007163, OMIM 108500.
Developmental and epileptic encephalopathy, 42 (DEE42A). Also called: Epileptic encephalopathy, early infantile, 42; DEVELOPMENTAL AND EPILEPTIC ENCEPHALOPATHY 42A; EPILEPTIC ENCEPHALOPATHY, EARLY INFANTILE, 42A. Identifiers: MedGen C4310716, MONDO:0014917, OMIM 617106.

Submission:

Labcorp Genetics (formerly Invitae), Labcorp
Classification: Pathogenic for Developmental and epileptic encephalopathy, 42; Episodic ataxia type 2. Last evaluated: 2022-08-31. Review status: criteria provided, single submitter. Criteria: Invitae Variant Classification Sherloc (09022015). Collection method: clinical testing. Allele origin: germline.
Comment: For these reasons, this variant has been classified as Pathogenic. This variant has not been reported in the literature in individuals affected with CACNA1A-related conditions. This variant is a gross deletion of the genomic region encompassing exon(s) 7-8 of the CACNA1A gene. This deletion is out-of-frame, and is expected to create a premature termination codon and result in an absent or disrupted protein product. Loss-of-function variants in CACNA1A are known to be pathogenic (PMID: 10371528, 19486177, 25735478, 27250579).

Literature cited by the submitters: PubMed 10371528; PubMed 19486177; PubMed 25735478; PubMed 27250579.

NC_000019.9:g.(?_13445172)_(13446743_?)del

Gene: CACNA1A (calcium voltage-gated channel subunit alpha1 A; minus strand). Cytogenetic location: 19p13.2.
Variant type: Deletion.
Identifiers: ClinVar variation 1418651 (VCV001418651.9).